The following is an entry in ClinVar:

ClinVar aggregate classification (germline): Likely benign. Review status: criteria provided, multiple submitters, no conflicts (2 of 4 stars). 3 submissions from 3 submitters: Likely benign (2). 1 of the submissions does not count toward it. Last evaluated 2024-11-22.

Conditions:
EPHB4-related disorder. Also called: EPHB4-related condition; EPHB4-related disorders.
Cardiovascular phenotype. Identifiers: MedGen CN230736.

Allele frequency attached by ClinVar (database versions not stated): ExAC 0.00001; gnomAD exomes 0.00001.
gnomAD v4.1: 10 of 1,598,520 alleles (0.00063%); highest among the groups gnomAD compares: African/African-American, 0.004%; no homozygotes.

Submissions (3):

Labcorp Genetics (formerly Invitae), Labcorp
Classification: Likely benign. Last evaluated: 2024-11-22. Review status: criteria provided, single submitter. Criteria: Invitae Variant Classification Sherloc (09022015). Collection method: clinical testing. Allele origin: germline.

Ambry Genetics
Classification: Likely benign for Cardiovascular phenotype. Last evaluated: 2019-06-09. Review status: criteria provided, single submitter. Criteria: Ambry Variant Classification Scheme 2023. Collection method: clinical testing. Allele origin: germline.

PreventionGenetics, part of Exact Sciences
Classification: Likely benign for EPHB4-related condition. Last evaluated: 2023-07-05. Review status: no assertion criteria provided. Collection method: clinical testing. Allele origin: germline. Not counted in ClinVar's aggregate classification.
Comment: This variant is classified as likely benign based on ACMG/AMP sequence variant interpretation guidelines (Richards et al. 2015 PMID: 25741868, with internal and published modifications).

NM_004444.5(EPHB4):c.459C>T (p.Ala153=)

Gene: EPHB4 (EPH receptor B4; minus strand). Cytogenetic location: 7q22.1.
Variant type: single nucleotide variant.
Coding change: c.459C>T on transcript NM_004444.5 (MANE Select); coding-DNA position 459, C replaced by T.
Protein change: p.Ala153=; no amino-acid change (alanine 153 retained).
Molecular consequence: synonymous variant.
Genome position (GRCh38, 1-based): chr7:100,822,620, G>A on the plus strand (C>T on the coding strand, the complement: EPHB4 is on the minus strand). VCF-style: chr7-100822620-G-A. GRCh37 (hg19) VCF-style: chr7-100420242-G-A.
Identifiers: ClinVar variation 1741764 (VCV001741764.6), dbSNP rs769976523, ClinGen allele CA4393276.